The following is an entry in ClinVar:

NM_014334.4(FRRS1L):c.236A>C (p.Glu79Ala)

Gene: FRRS1L (ferric chelate reductase 1 like; minus strand). Cytogenetic location: 9q31.3.
Variant type: single nucleotide variant.
Coding change: c.236A>C on transcript NM_014334.4 (MANE Select); coding-DNA position 236, A replaced by C.
Protein change: p.Glu79Ala; replaces glutamic acid 79 with alanine.
Molecular consequence: missense variant.
Genome position (GRCh38, 1-based): chr9:109,166,903, T>G on the plus strand (A>C on the coding strand, the complement: FRRS1L is on the minus strand). VCF-style: chr9-109166903-T-G. GRCh37 (hg19) VCF-style: chr9-111929183-T-G.
Other names: short protein forms E79A.
Identifiers: ClinVar variation 2114400 (VCV002114400.4), dbSNP rs2538515302, ClinGen allele CA374430216.

ClinVar aggregate classification (germline): Uncertain significance (1 of 4 stars; one submission).

Conditions:
Developmental and epileptic encephalopathy, 37 (DEE37). Also called: Epileptic encephalopathy, early infantile, 37. Identifiers: MedGen C4310770, MONDO:0014859, OMIM 616981.

Submission:

Labcorp Genetics (formerly Invitae), Labcorp
Classification: Uncertain significance for Developmental and epileptic encephalopathy, 37. Last evaluated: 2022-03-19. Review status: criteria provided, single submitter. Criteria: Invitae Variant Classification Sherloc (09022015). Collection method: clinical testing. Allele origin: germline.
Comment: This sequence change replaces glutamic acid, which is acidic and polar, with alanine, which is neutral and non-polar, at codon 130 of the FRRS1L protein (p.Glu130Ala). This variant is not present in population databases (gnomAD no frequency). This variant has not been reported in the literature in individuals affected with FRRS1L-related conditions. Algorithms developed to predict the effect of missense changes on protein structure and function (SIFT, PolyPhen-2, Align-GVGD) all suggest that this variant is likely to be tolerated. In summary, the available evidence is currently insufficient to determine the role of this variant in disease. Therefore, it has been classified as a Variant of Uncertain Significance.